The following is an entry in ClinVar:

NM_000245.4(MET):c.505C>T (p.Pro169Ser)

Gene: MET (MET proto-oncogene, receptor tyrosine kinase; plus strand). Cytogenetic location: 7q31.2.
Variant type: single nucleotide variant.
Coding change: c.505C>T on transcript NM_000245.4 (MANE Select); coding-DNA position 505, C replaced by T.
Protein change: p.Pro169Ser; replaces proline 169 with serine.
Molecular consequence: missense variant. On other transcripts: intron variant (1).
Genome position (GRCh38, 1-based): chr7:116,699,589, C>T. VCF-style: chr7-116699589-C-T. GRCh37 (hg19) VCF-style: chr7-116339643-C-T.
Other names: c.505C>T, p.Pro169Ser (NM_001127500.3, NM_001324401.3); c.-91+27012C>T (NM_001324402.2); short protein forms P169S.
Identifiers: ClinVar variation 2994199 (VCV002994199.4), dbSNP rs766944441, ClinGen allele CA164888477.

ClinVar aggregate classification (germline): Conflicting classifications of pathogenicity. Review status: criteria provided, conflicting classifications (1 of 4 stars). 2 submissions from 2 submitters: Uncertain significance (1); Likely benign (1). Last evaluated 2026-02-03.

Conditions:
Renal cell carcinoma. Identifiers: Orphanet 217071, MedGen C0007134, MeSH D002292, MONDO:0005086, HP:0005584.
Hereditary cancer-predisposing syndrome. Also called: Neoplastic Syndromes, Hereditary; Tumor predisposition; Hereditary Cancer Syndrome; Hereditary neoplastic syndrome. Identifiers: Orphanet 140162, MedGen C0027672, MeSH D009386, MONDO:0015356.

Submissions (2):

Ambry Genetics
Classification: Likely benign for Hereditary cancer-predisposing syndrome. Last evaluated: 2026-02-03. Review status: criteria provided, single submitter. Criteria: Ambry Variant Classification Scheme 2023. Collection method: clinical testing. Allele origin: germline.

Labcorp Genetics (formerly Invitae), Labcorp
Classification: Uncertain significance for Renal cell carcinoma. Last evaluated: 2023-09-27. Review status: criteria provided, single submitter. Criteria: Invitae Variant Classification Sherloc (09022015). Collection method: clinical testing. Allele origin: germline.
Comment: In summary, the available evidence is currently insufficient to determine the role of this variant in disease. Therefore, it has been classified as a Variant of Uncertain Significance. Advanced modeling of protein sequence and biophysical properties (such as structural, functional, and spatial information, amino acid conservation, physicochemical variation, residue mobility, and thermodynamic stability) performed at Invitae indicates that this missense variant is not expected to disrupt MET protein function. This variant has not been reported in the literature in individuals affected with MET-related conditions. This variant is not present in population databases (gnomAD no frequency). This sequence change replaces proline, which is neutral and non-polar, with serine, which is neutral and polar, at codon 169 of the MET protein (p.Pro169Ser).